The following is an entry in ClinVar:

ClinVar aggregate classification (germline): Pathogenic. Review status: criteria provided, multiple submitters, no conflicts (2 of 4 stars). 3 submissions from 3 submitters: Pathogenic (3). Last evaluated 2024-12-20.

Conditions:
Leber congenital amaurosis 13 (LCA13). Identifiers: MedGen C2675186, MONDO:0012990, OMIM 612712.
Leber congenital amaurosis (LCA). Also called: Leber's amaurosis. Identifiers: Orphanet 65, MedGen C0339527, MeSH D057130, MONDO:0018998.

gnomAD v4.1: 9 of 1,587,962 alleles (0.00057%); highest among the groups gnomAD compares: Non-Finnish European, 0.00078%; no homozygotes.

Submissions (4):

Natera, Inc.
Classification: Pathogenic for Leber congenital amaurosis. Last evaluated: 2024-12-20. Review status: criteria provided, single submitter. Criteria: Natera Variant Classification Schema (03/2026). Collection method: clinical testing. Allele origin: germline.
Comment: The c.448+1G>C variant in RDH12 is a canonical splice donor site variant predicted to affect pre-mRNA splicing, which may result in an abnormal transcript and altered protein product. This variant is expected to result in nonsense mediated decay, truncation, or a dysfunctional protein product. This variant is rare in the general population with a frequency below the threshold expected for the associated phenotype(s). Another variant at this same site results in an alteration predicted to cause a similar molecular effect has been observed in individual(s) with the associated phenotype. Given the available evidence, this variant is classified as Pathogenic.

Baylor Genetics
Classification: Pathogenic for Leber congenital amaurosis 13. Last evaluated: 2024-02-22. Review status: criteria provided, single submitter. Criteria: ACMG Guidelines, 2015. Collection method: clinical testing. Allele origin: unknown.

Labcorp Genetics (formerly Invitae), Labcorp
Classification: Pathogenic for Leber congenital amaurosis 13. Last evaluated: 2022-11-01. Review status: criteria provided, single submitter. Criteria: Invitae Variant Classification Sherloc (09022015). Collection method: clinical testing. Allele origin: germline.
Comment: For these reasons, this variant has been classified as Pathogenic. Algorithms developed to predict the effect of sequence changes on RNA splicing suggest that this variant may disrupt the consensus splice site. ClinVar contains an entry for this variant (Variation ID: 841661). Disruption of this splice site has been observed in individual(s) with autosomal recessive RDH12-related conditions (PMID: 22065924, 32790509). In at least one individual the data is consistent with being in trans (on the opposite chromosome) from a pathogenic variant. This variant is present in population databases (rs781331005, gnomAD 0.002%). This sequence change affects a donor splice site in intron 6 of the RDH12 gene. It is expected to disrupt RNA splicing. Variants that disrupt the donor or acceptor splice site typically lead to a loss of protein function (PMID: 16199547), and loss-of-function variants in RDH12 are known to be pathogenic (PMID: 17964524, 22065924, 32014858, 34001834).

Dr. Peter K. Rogan Lab, Western University
No classification provided (evidence only). Condition: Ovarian serous cystadenocarcinoma. Review status: no classification provided. Collection method: in vitro. Allele origin: not applicable. Functional consequence: retained intron. Not counted in ClinVar's aggregate classification.

Literature cited by the submitters: PubMed 22065924 (cited by Labcorp Genetics (formerly Invitae), Labcorp); PubMed 32790509 (cited by Labcorp Genetics (formerly Invitae), Labcorp); PubMed 16199547 (cited by Labcorp Genetics (formerly Invitae), Labcorp); PubMed 17964524 (cited by Labcorp Genetics (formerly Invitae), Labcorp); PubMed 32014858 (cited by Labcorp Genetics (formerly Invitae), Labcorp); PubMed 34001834 (cited by Labcorp Genetics (formerly Invitae), Labcorp).

NM_152443.3(RDH12):c.448+1G>C

Genes: GPHN (gephyrin; plus strand), RDH12 (retinol dehydrogenase 12; plus strand). Cytogenetic location: 14q24.1.
Variant type: single nucleotide variant.
Coding change: c.448+1G>C on transcript NM_152443.3 (MANE Select); the canonical splice donor site of the intron after coding-DNA position 448, G replaced by C.
Molecular consequence: splice donor variant.
Genome position (GRCh38, 1-based): chr14:67,726,156, G>C. VCF-style: chr14-67726156-G-C. GRCh37 (hg19) VCF-style: chr14-68192873-G-C.
Identifiers: ClinVar variation 841661 (VCV000841661.16), dbSNP rs781331005, ClinGen allele CA7238705.